The following is an entry in ClinVar:

NM_005359.6(SMAD4):c.497T>C (p.Phe166Ser)

Gene: SMAD4 (SMAD family member 4; plus strand). Cytogenetic location: 18q21.2.
Variant type: single nucleotide variant.
Coding change: c.497T>C on transcript NM_005359.6 (MANE Select); coding-DNA position 497, T replaced by C.
Protein change: p.Phe166Ser; replaces phenylalanine 166 with serine.
Molecular consequence: missense variant.
Genome position (GRCh38, 1-based): chr18:51,054,823, T>C. VCF-style: chr18-51054823-T-C. GRCh37 (hg19) VCF-style: chr18-48581193-T-C.
Other names: c.497T>C, p.Phe166Ser (NM_001407041.1, NM_001407042.1, NM_001407043.1); short protein forms F166S.
Identifiers: ClinVar variation 1744526 (VCV001744526.2), dbSNP rs2144418102, ClinGen allele CA402460699.
Genomic context (GRCh38, chr18:51,054,823, plus strand): 5'-GTTTAATTTTCTATATAGCTCCATCAAGTATGATGGTGAAGGATGAATATGTGCATGACT[T>C]TGAGGGACAGCCATCGTTGTCCACTGAAGGACATTCAATTCAAACCATCCAGCATCCACC-3'
Protein context (NP_005350.1, residues 156-176): MMVKDEYVHD[Phe166Ser]EGQPSLSTEG

ClinVar aggregate classification (germline): Uncertain significance (1 of 4 stars; one submission).

Conditions:
Familial thoracic aortic aneurysm and aortic dissection (TAAD). Also called: Thoracic aortic aneurysms and dissections. Identifiers: Orphanet 91387, MedGen C4707243, MONDO:0019625.
Hereditary cancer-predisposing syndrome. Also called: Hereditary Cancer Syndrome; Neoplastic Syndromes, Hereditary; Tumor predisposition; Hereditary neoplastic syndrome. Identifiers: Orphanet 140162, MedGen C0027672, MeSH D009386, MONDO:0015356.

Submission:

Ambry Genetics
Classification: Uncertain significance for Hereditary cancer-predisposing syndrome; Familial thoracic aortic aneurysm and aortic dissection. Last evaluated: 2022-08-22. Review status: criteria provided, single submitter. Criteria: Ambry Variant Classification Scheme 2023. Collection method: clinical testing. Allele origin: germline.
Comment: The p.F166S variant (also known as c.497T>C), located in coding exon 4 of the SMAD4 gene, results from a T to C substitution at nucleotide position 497. The phenylalanine at codon 166 is replaced by serine, an amino acid with highly dissimilar properties. This amino acid position is conserved. In addition, this alteration is predicted to be deleterious by in silico analysis. Since supporting evidence is limited at this time, the clinical significance of this alteration remains unclear.